The following is an entry in ClinVar:

ClinVar aggregate classification (germline): Uncertain significance. Review status: criteria provided, multiple submitters, no conflicts (2 of 4 stars). 6 submissions from 6 submitters: Uncertain significance (6). Last evaluated 2024-07-16.

Conditions:
Inborn genetic diseases. Identifiers: MedGen C0950123, MeSH D030342.
Periventricular heterotopia with microcephaly, autosomal recessive (ARPHM). Also called: PERIVENTRICULAR NODULAR HETEROTOPIA 2; Periventricular heterotopia with microcephaly. Identifiers: Orphanet 2149, MedGen C1842563, MONDO:0011966, OMIM 608097.

Allele frequency attached by ClinVar (database versions not stated): ExAC 0.00017; gnomAD exomes 0.00025 and 0.00054; TOPMed 0.00031; gnomAD 0.00032 and 0.00034; ESP Exome Variant Server 0.00046.
gnomAD v4.1: 828 of 1,614,034 alleles (0.051%); highest among the groups gnomAD compares: Non-Finnish European, 0.066%; 3 homozygotes.

Submissions (6):

ARUP Laboratories, Molecular Genetics and Genomics, ARUP Laboratories
Classification: Uncertain significance for Periventricular heterotopia with microcephaly, autosomal recessive. Last evaluated: 2024-07-16. Review status: criteria provided, single submitter. Criteria: ARUP Molecular Germline Variant Investigation Process 2024. Collection method: clinical testing. Allele origin: germline.

Labcorp Genetics (formerly Invitae), Labcorp
Classification: Uncertain significance. Last evaluated: 2022-10-05. Review status: criteria provided, single submitter. Criteria: Invitae Variant Classification Sherloc (09022015). Collection method: clinical testing. Allele origin: germline.
Comment: This sequence change replaces glycine, which is neutral and non-polar, with arginine, which is basic and polar, at codon 1016 of the ARFGEF2 protein (p.Gly1016Arg). This variant is present in population databases (rs149644732, gnomAD 0.04%). This variant has not been reported in the literature in individuals affected with ARFGEF2-related conditions. ClinVar contains an entry for this variant (Variation ID: 338695). Algorithms developed to predict the effect of missense changes on protein structure and function are either unavailable or do not agree on the potential impact of this missense change (SIFT: "Deleterious"; PolyPhen-2: "Benign"; Align-GVGD: "Class C0"). In summary, the available evidence is currently insufficient to determine the role of this variant in disease. Therefore, it has been classified as a Variant of Uncertain Significance.

Ambry Genetics
Classification: Uncertain significance for Inborn genetic diseases. Last evaluated: 2021-09-01. Review status: criteria provided, single submitter. Criteria: Ambry Variant Classification Scheme 2023. Collection method: clinical testing. Allele origin: germline.

Victorian Clinical Genetics Services, Murdoch Childrens Research Institute
Classification: Uncertain significance for Periventricular heterotopia with microcephaly, autosomal recessive. Last evaluated: 2020-05-25. Review status: criteria provided, single submitter. Criteria: ACMG Guidelines, 2015. Collection method: clinical testing. Allele origin: germline. Inheritance: Autosomal recessive inheritance.
Comment: A heterozygous missense variant was identified, NM_006420.2(ARFGEF2):c.3046G>C in exon 22 of 39 of the ARFGEF2 gene. This substitution is predicted to create a major amino acid change from glycine to arginine at position 1016 of the protein, NP_006411.2(ARFGEF2):p.(Gly1016Arg). The glycine at this position has very high conservation (100 vertebrates, UCSC), but is not situated in a known functional domain (PDB, NCBI). In silico software predictions of the pathogenicity of this variant are conflicting (PolyPhen, SIFT, CADD, MutationTaster). The variant is present in the gnomAD population database at a frequency of 0.025% (71 heterozygotes; 0 homozygotes. The variant has previously been reported as a VUS (ClinVar). Based on information available at the time of curation, this variant has been classified as a VARIANT of UNCERTAIN SIGNIFICANCE (VUS). Legend: (P) - Pathogenic, (N) - Neutral, (B) - Benign

GeneDx
Classification: Uncertain significance. Last evaluated: 2020-01-14. Review status: criteria provided, single submitter. Criteria: GeneDx Variant Classification Process June 2021. Collection method: clinical testing. Allele origin: germline. Affected: yes.
Comment: In silico analysis, which includes protein predictors and evolutionary conservation, supports a deleterious effect; Has not been previously published as pathogenic or benign to our knowledge

Illumina Laboratory Services, Illumina
Classification: Uncertain significance for Periventricular heterotopia with microcephaly, autosomal recessive. Last evaluated: 2018-01-13. Review status: criteria provided, single submitter. Criteria: ICSL Variant Classification Criteria 13 December 2019. Collection method: clinical testing. Allele origin: germline.

NM_006420.3(ARFGEF2):c.3046G>C (p.Gly1016Arg)

Gene: ARFGEF2 (ARF guanine nucleotide exchange factor 2; plus strand). Cytogenetic location: 20q13.13.
Variant type: single nucleotide variant.
Coding change: c.3046G>C on transcript NM_006420.3 (MANE Select); coding-DNA position 3046, G replaced by C.
Protein change: p.Gly1016Arg; replaces glycine 1016 with arginine.
Molecular consequence: missense variant.
Genome position (GRCh38, 1-based): chr20:48,994,523, G>C. VCF-style: chr20-48994523-G-C. GRCh37 (hg19) VCF-style: chr20-47611060-G-C.
Other names: short protein forms G1016R.
Identifiers: ClinVar variation 338695 (VCV000338695.12), dbSNP rs149644732, ClinGen allele CA9898806.